The following is an entry in ClinVar:

NM_003613.4(CILP):c.112A>G (p.Lys38Glu)

Gene: CILP (cartilage intermediate layer protein; minus strand). Cytogenetic location: 15q22.31.
Variant type: single nucleotide variant.
Coding change: c.112A>G on transcript NM_003613.4 (MANE Select); coding-DNA position 112, A replaced by G.
Protein change: p.Lys38Glu; replaces lysine 38 with glutamic acid.
Molecular consequence: missense variant.
Genome position (GRCh38, 1-based): chr15:65,207,714, T>C on the plus strand (A>G on the coding strand, the complement: CILP is on the minus strand). VCF-style: chr15-65207714-T-C. GRCh37 (hg19) VCF-style: chr15-65500052-T-C.
Other names: short protein forms K38E.
Identifiers: ClinVar variation 1049761 (VCV001049761.1), dbSNP rs2140682930, ClinGen allele CA392877755.

ClinVar aggregate classification (germline): Uncertain significance (0 of 4 stars; one submission).

Allele frequency attached by ClinVar (database versions not stated): gnomAD exomes below 0.00001.

Submission:

Department of Pathology and Laboratory Medicine, Sinai Health System
Classification: Uncertain significance. Review status: no assertion criteria provided. Collection method: clinical testing. Allele origin: unknown. Affected: yes. Study: The Canadian Open Genetics Repository (COGR).
Comment: The CILP p.Lys38Glu variant was not identified in the literature nor was it identified in dbSNP, ClinVar, Cosmic, LOVD 3.0 or in the following control databases: the 1000 Genomes Project, the NHLBI GO Exome Sequencing Project, the Exome Aggregation Consortium (August 8th 2016), or the Genome Aggregation Database (Feb 27, 2017).The p.Lys38 residue is not conserved in mammals and computational analyses (PolyPhen-2, SIFT, AlignGVGD, BLOSUM, MutationTaster) do not suggest a high likelihood of impact to the protein; however, this information is not predictive enough to rule out pathogenicity. The variant occurs outside of the splicing consensus sequence and in silico or computational prediction software programs (SpliceSiteFinder, MaxEntScan, NNSPLICE, GeneSplicer) do not predict a difference in splicing. In summary, based on the above information the clinical significance of this variant cannot be determined with certainty at this time. This variant is classified as a variant of uncertain significance.